The following is an entry in ClinVar:

ClinVar aggregate classification (germline): Conflicting classifications of pathogenicity. Review status: criteria provided, conflicting classifications (1 of 4 stars). 3 submissions from 3 submitters: Uncertain significance (1); Likely benign (2). Last evaluated 2026-03-12.

Conditions:
CSGALNACT1-related disorder. Also called: CSGALNACT1-related condition.

Allele frequency attached by ClinVar (database versions not stated): ESP Exome Variant Server 0.00023; 1000 Genomes Project 30x 0.00062; 1000 Genomes Project 0.00080.
gnomAD v4.1: 185 of 1,614,118 alleles (0.011%); highest among the groups gnomAD compares: East Asian, 0.22%; no homozygotes.

Submissions (3):

PreventionGenetics, part of Exact Sciences
Classification: Likely benign for CSGALNACT1-related condition. Last evaluated: 2026-03-12. Review status: criteria provided, single submitter. Criteria: ACMG Guidelines, 2015. Collection method: clinical testing. Allele origin: germline.
Comment: This variant is classified as likely benign based on ACMG/AMP sequence variant interpretation guidelines (Richards et al. 2015 PMID: 25741868, with internal and published modifications).

Labcorp Genetics (formerly Invitae), Labcorp
Classification: Likely benign. Last evaluated: 2025-04-28. Review status: criteria provided, single submitter. Criteria: Invitae Variant Classification Sherloc (09022015). Collection method: clinical testing. Allele origin: germline.

GeneDx
Classification: Uncertain significance. Last evaluated: 2024-11-16. Review status: criteria provided, single submitter. Criteria: GeneDx Variant Classification Process June 2021. Collection method: clinical testing. Allele origin: germline. Affected: yes.
Comment: In silico analysis supports that this missense variant has a deleterious effect on protein structure/function; Has not been previously published as pathogenic or benign to our knowledge

NM_001354483.2(CSGALNACT1):c.614C>T (p.Thr205Met)

Gene: CSGALNACT1 (chondroitin sulfate N-acetylgalactosaminyltransferase 1; minus strand). Cytogenetic location: 8p21.3.
Variant type: single nucleotide variant.
Coding change: c.614C>T on transcript NM_001354483.2 (MANE Select); coding-DNA position 614, C replaced by T.
Protein change: p.Thr205Met; replaces threonine 205 with methionine.
Molecular consequence: missense variant. On other transcripts: non-coding transcript variant (7).
Genome position (GRCh38, 1-based): chr8:19,505,221, G>A on the plus strand (C>T on the coding strand, the complement: CSGALNACT1 is on the minus strand). VCF-style: chr8-19505221-G-A. GRCh37 (hg19) VCF-style: chr8-19362732-G-A.
Other names: c.614C>T, p.Thr205Met (NM_001130518.2, NM_001354475.2, NM_001354476.2 and 18 more transcripts); c.614C>T (NM_001130518.1); short protein forms T205M.
Identifiers: ClinVar variation 1594412 (VCV001594412.10), dbSNP rs146273214, ClinGen allele CA4654200.